The following is an entry in ClinVar:

NM_015631.6(TCTN3):c.1196G>A (p.Ser399Asn)

Gene: TCTN3 (tectonic family member 3; minus strand). Cytogenetic location: 10q24.1.
Variant type: single nucleotide variant.
Coding change: c.1196G>A on transcript NM_015631.6 (MANE Select); coding-DNA position 1196, G replaced by A.
Protein change: p.Ser399Asn; replaces serine 399 with asparagine.
Molecular consequence: missense variant.
Genome position (GRCh38, 1-based): chr10:95,683,529, C>T on the plus strand (G>A on the coding strand, the complement: TCTN3 is on the minus strand). VCF-style: chr10-95683529-C-T. GRCh37 (hg19) VCF-style: chr10-97443286-C-T.
Other names: c.752G>A, p.Ser251Asn (NM_001143973.2); short protein forms S399N, S251N.
Identifiers: ClinVar variation 641338 (VCV000641338.9), dbSNP rs768285987, ClinGen allele CA5620928.

ClinVar aggregate classification (germline): Uncertain significance. Review status: criteria provided, multiple submitters, no conflicts (2 of 4 stars). 4 submissions from 4 submitters: Uncertain significance (3). 1 of the submissions does not count toward it. Last evaluated 2024-05-08.

Conditions:
TCTN3-related disorder. Also called: TCTN3-related condition.
Inborn genetic diseases. Identifiers: MedGen C0950123, MeSH D030342.
Orofacial-digital syndrome IV (OFD4). Also called: OFD SYNDROME WITH TIBIAL DEFECTS; OFD SYNDROME, BARAITSER-BURN TYPE; OFDS IV; ORAL-FACIAL-DIGITAL SYNDROME, TYPE IV; Orofaciodigital syndrome IV; MOHR-MAJEWSKI SYNDROME. Identifiers: Orphanet 2753, MedGen C0406727, MONDO:0009794, OMIM 258860.
Joubert syndrome 18 (JBTS18). Identifiers: Orphanet 2754, MedGen C3553758, MONDO:0013896, OMIM 614815.

Allele frequency attached by ClinVar (database versions not stated): TOPMed below 0.00001; gnomAD 0.00001; ExAC 0.00002; gnomAD exomes 0.00002.
gnomAD v4.1: 18 of 1,614,070 alleles (0.0011%); highest among the groups gnomAD compares: Non-Finnish European, 0.0015%; no homozygotes.

Submissions (4):

Fulgent Genetics
Classification: Uncertain significance for Orofacial-digital syndrome IV; Joubert syndrome 18. Last evaluated: 2024-05-08. Review status: criteria provided, single submitter. Criteria: ACMG Guidelines, 2015. Collection method: clinical testing. Allele origin: germline.

Ambry Genetics
Classification: Uncertain significance for Inborn genetic diseases. Last evaluated: 2023-06-01. Review status: criteria provided, single submitter. Criteria: Ambry Variant Classification Scheme 2023. Collection method: clinical testing. Allele origin: germline.

Labcorp Genetics (formerly Invitae), Labcorp
Classification: Uncertain significance for Joubert syndrome 18; Orofacial-digital syndrome IV. Last evaluated: 2021-08-24. Review status: criteria provided, single submitter. Criteria: Invitae Variant Classification Sherloc (09022015). Collection method: clinical testing. Allele origin: germline.
Comment: This sequence change replaces serine with asparagine at codon 399 of the TCTN3 protein (p.Ser399Asn). The serine residue is highly conserved and there is a small physicochemical difference between serine and asparagine. This variant is present in population databases (rs768285987, ExAC 0.003%). This variant has not been reported in the literature in individuals affected with TCTN3-related conditions. Algorithms developed to predict the effect of missense changes on protein structure and function (SIFT, PolyPhen-2, Align-GVGD) all suggest that this variant is likely to be tolerated. In summary, the available evidence is currently insufficient to determine the role of this variant in disease. Therefore, it has been classified as a Variant of Uncertain Significance.

PreventionGenetics, part of Exact Sciences
Classification: Uncertain significance for TCTN3-related condition. Last evaluated: 2024-09-29. Review status: no assertion criteria provided. Collection method: clinical testing. Allele origin: germline. Not counted in ClinVar's aggregate classification.
Comment: The TCTN3 c.1196G>A variant is predicted to result in the amino acid substitution p.Ser399Asn. To our knowledge, this variant has not been reported in the literature. This variant is reported in 0.0054% of alleles in individuals of European (Non-Finnish) descent in gnomAD. At this time, the clinical significance of this variant is uncertain due to the absence of conclusive functional and genetic evidence.